The following is an entry in ClinVar:

ClinVar aggregate classification (germline): Uncertain significance (1 of 4 stars; one submission).

Submission:

Ambry Genetics
Classification: Uncertain significance. Last evaluated: 2025-01-27. Review status: criteria provided, single submitter. Criteria: Ambry Variant Classification Scheme 2023. Collection method: clinical testing. Allele origin: germline.
Comment: The p.G206D variant (also known as c.617G>A), located in coding exon 4 of the GEN1 gene, results from a G to A substitution at nucleotide position 617. The glycine at codon 206 is replaced by aspartic acid, an amino acid with similar properties. This amino acid position is conserved. In addition, this alteration is predicted to be deleterious by in silico analysis. Based on the available evidence, the clinical significance of this variant remains unclear.

NM_001130009.3(GEN1):c.617G>A (p.Gly206Asp)

Gene: GEN1 (GEN1 Holliday junction 5' flap endonuclease; plus strand). Cytogenetic location: 2p24.2.
Variant type: single nucleotide variant.
Coding change: c.617G>A on transcript NM_001130009.3 (MANE Select); coding-DNA position 617, G replaced by A.
Protein change: p.Gly206Asp; replaces glycine 206 with aspartic acid.
Molecular consequence: missense variant.
Genome position (GRCh38, 1-based): chr2:17,766,670, G>A. VCF-style: chr2-17766670-G-A. GRCh37 (hg19) VCF-style: chr2-17947937-G-A.
Other names: c.617G>A, p.Gly206Asp (NM_182625.5); short protein forms G206D.
Identifiers: ClinVar variation 3853533 (VCV003853533.1).